The following is an entry in ClinVar:

NM_001130987.2(DYSF):c.5503C>T (p.Arg1835Trp)

Gene: DYSF (dysferlin; plus strand). Cytogenetic location: 2p13.2.
Variant type: single nucleotide variant.
Coding change: c.5503C>T on transcript NM_001130987.2 (MANE Select); coding-DNA position 5503, C replaced by T.
Protein change: p.Arg1835Trp; replaces arginine 1835 with tryptophan.
Molecular consequence: missense variant.
Genome position (GRCh38, 1-based): chr2:71,668,799, C>T. VCF-style: chr2-71668799-C-T. GRCh37 (hg19) VCF-style: chr2-71895929-C-T.
Other names: c.5389C>T, p.Arg1797Trp (NM_001130455.2); c.5344C>T, p.Arg1782Trp (NM_001130976.2); c.5407C>T, p.Arg1803Trp (NM_001130977.2); c.5449C>T, p.Arg1817Trp (NM_001130978.2); c.5479C>T, p.Arg1827Trp (NM_001130979.2); c.5437C>T, p.Arg1813Trp (NM_001130980.2); c.5500C>T, p.Arg1834Trp (NM_001130981.2); c.5482C>T, p.Arg1828Trp (NM_001130982.2); and 5 more; short protein forms R1796W, R1817W, R1835W, R1782W, R1783W, R1804W, R1803W, R1813W.
Identifiers: ClinVar variation 281104 (VCV000281104.31), dbSNP rs139879284, ClinGen allele CA1707403.

ClinVar aggregate classification (germline): Conflicting classifications of pathogenicity. Review status: criteria provided, conflicting classifications (1 of 4 stars). 9 submissions from 9 submitters: Uncertain significance (4); Likely benign (3). 2 of the submissions do not count toward it. Last evaluated 2026-01-20.

Conditions:
DYSF-related disorder. Also called: DYSF-related condition; DYSF-related disorders.
Inborn genetic diseases. Identifiers: MedGen C0950123, MeSH D030342.
Autosomal recessive limb-girdle muscular dystrophy. Identifiers: Orphanet 102015, MedGen C2931907, MONDO:0015152.
Neuromuscular disease caused by qualitative or quantitative defects of dysferlin. Also called: Dysferlinopathy; Qualitative or quantitative defects of dysferlin. Identifiers: Orphanet 207073, MedGen C2931687, MONDO:0016145.
Autosomal recessive limb-girdle muscular dystrophy type 2B (LGMDR2). Also called: MUSCULAR DYSTROPHY, LIMB-GIRDLE, TYPE 3; Limb-Girdle Muscular Dystrophy Type 2B (LGMD2B); MUSCULAR DYSTROPHY, LIMB-GIRDLE, AUTOSOMAL RECESSIVE 2; Limb-girdle muscular dystrophy, type 2B. Identifiers: Orphanet 268, MedGen C1850889, MONDO:0009676, OMIM 253601.

Allele frequency attached by ClinVar (database versions not stated): gnomAD exomes 0.00047; ExAC 0.00059; gnomAD 0.00157 and 0.00161; TOPMed 0.00165; ESP Exome Variant Server 0.00169; 1000 Genomes Project 30x 0.00172; 1000 Genomes Project 0.00220.
gnomAD v4.1: 477 of 1,613,924 alleles (0.03%); highest among the groups gnomAD compares: African/African-American, 0.53%; no homozygotes.

Submissions (9):

Labcorp Genetics (formerly Invitae), Labcorp
Classification: Likely benign for Neuromuscular disease caused by qualitative or quantitative defects of dysferlin. Last evaluated: 2026-01-20. Review status: criteria provided, single submitter. Criteria: Invitae Variant Classification Sherloc (09022015). Collection method: clinical testing. Allele origin: germline.

Myriad Genetics, Inc.
Classification: Uncertain significance for Autosomal recessive limb-girdle muscular dystrophy. Last evaluated: 2025-07-24. Review status: criteria provided, single submitter. Criteria: Myriad Autosomal Dominant, Autosomal Recessive and X-Linked Classification Criteria (2023). Collection method: clinical testing. Allele origin: unknown.
Comment: NM_003494.3(DYSF):c.5386C>T(R1796W) is a missense variant classified as a variant of uncertain significance in the context of dysferlinopathy. R1796W has been observed in a case with relevant disease (PMID: 39678382). Relevant functional assessments of this variant are not available in the literature. R1796W has been observed in referenced population frequency databases. In summary, there is insufficient evidence to classify NM_003494.3(DYSF):c.5386C>T(R1796W) as pathogenic or benign. Please note: this variant was assessed in the context of healthy population screening.

Mayo Clinic Laboratories, Mayo Clinic
Classification: Uncertain significance. Last evaluated: 2025-06-27. Review status: criteria provided, single submitter. Criteria: ACMG Guidelines, 2015. Collection method: clinical testing. Allele origin: germline. Observed: 4 variant alleles.
Comment: BS1

Ambry Genetics
Classification: Uncertain significance for Inborn genetic diseases. Last evaluated: 2023-12-21. Review status: criteria provided, single submitter. Criteria: Ambry Variant Classification Scheme 2023. Collection method: clinical testing. Allele origin: germline.

GeneDx
Classification: Likely benign. Last evaluated: 2020-06-17. Review status: criteria provided, single submitter. Criteria: GeneDx Variant Classification Process June 2021. Collection method: clinical testing. Allele origin: germline. Affected: yes.

Athena Diagnostics
Classification: Likely benign. Last evaluated: 2020-02-17. Review status: criteria provided, single submitter. Criteria: Athena Diagnostics Criteria. Collection method: clinical testing. Allele origin: unknown.

Eurofins Ntd Llc (ga)
Classification: Uncertain significance. Last evaluated: 2015-09-14. Review status: criteria provided, single submitter. Criteria: EGL Classification Definitions 2015. Collection method: clinical testing. Allele origin: germline. Observed: 1 variant allele, 1 heterozygote.

Natera, Inc.
Classification: Likely benign for Limb-girdle muscular dystrophy type 2B. Last evaluated: 2019-11-11. Review status: no assertion criteria provided. Collection method: clinical testing. Allele origin: germline. Not counted in ClinVar's aggregate classification.

PreventionGenetics, part of Exact Sciences
Classification: Likely benign for DYSF-related condition. Last evaluated: 2019-07-03. Review status: no assertion criteria provided. Collection method: clinical testing. Allele origin: germline. Not counted in ClinVar's aggregate classification.
Comment: This variant is classified as likely benign based on ACMG/AMP sequence variant interpretation guidelines (Richards et al. 2015 PMID: 25741868, with internal and published modifications).

Literature cited by the submitters: PubMed 39678382 (cited by Myriad Genetics, Inc.).